The following is an entry in ClinVar:

ClinVar aggregate classification (germline): Uncertain significance. Review status: criteria provided, multiple submitters, no conflicts (2 of 4 stars). 2 submissions from 2 submitters: Uncertain significance (2). Last evaluated 2024-08-30.

Conditions:
Beckwith-Wiedemann syndrome (BWS). Also called: Exomphalos macroglossia gigantism syndrome; EMG SYNDROME. Identifiers: Orphanet 116, MedGen C0004903, MONDO:0007534, OMIM 130650.
IMAGe syndrome. Also called: Intrauterine growth retardation, metaphyseal dysplasia, adrenal hypoplasia congenita, and genital anomalies; Intrauterine Growth Restriction, Metaphyseal Dysplasia, Adrenal Hypoplasia Congenita, and Genital Anomalies. Identifiers: Orphanet 85173, MedGen C1846009, MONDO:0013873, OMIM 614732.

Allele frequency attached by ClinVar (database versions not stated): gnomAD exomes below 0.00001.
gnomAD v4.1: 2 of 1,474,866 alleles (0.00014%); highest among the groups gnomAD compares: Non-Finnish European, 0.00018%; no homozygotes.

Submissions (2):

Labcorp Genetics (formerly Invitae), Labcorp
Classification: Uncertain significance for Beckwith-Wiedemann syndrome. Last evaluated: 2024-08-30. Review status: criteria provided, single submitter. Criteria: Invitae Variant Classification Sherloc (09022015). Collection method: clinical testing. Allele origin: germline.
Comment: This sequence change falls in intron 1 of the CDKN1C gene. It does not directly change the encoded amino acid sequence of the CDKN1C protein. It affects a nucleotide within the consensus splice site. This variant is not present in population databases (gnomAD no frequency). This variant has not been reported in the literature in individuals affected with CDKN1C-related conditions. ClinVar contains an entry for this variant (Variation ID: 1425040). Variants that disrupt the consensus splice site are a relatively common cause of aberrant splicing (PMID: 17576681, 9536098). Algorithms developed to predict the effect of sequence changes on RNA splicing suggest that this variant is not likely to affect RNA splicing. In summary, the available evidence is currently insufficient to determine the role of this variant in disease. Therefore, it has been classified as a Variant of Uncertain Significance.

Fulgent Genetics
Classification: Uncertain significance for Beckwith-Wiedemann syndrome; IMAGe syndrome. Last evaluated: 2024-04-05. Review status: criteria provided, single submitter. Criteria: ACMG Guidelines, 2015. Collection method: clinical testing. Allele origin: germline.

Literature cited by the submitters: PubMed 17576681 (cited by Labcorp Genetics (formerly Invitae), Labcorp); PubMed 9536098 (cited by Labcorp Genetics (formerly Invitae), Labcorp).

NM_001122630.2(CDKN1C):c.788-3C>T

Gene: CDKN1C (cyclin dependent kinase inhibitor 1C; minus strand). Cytogenetic location: 11p15.4.
Variant type: single nucleotide variant.
Coding change: c.788-3C>T on transcript NM_001122630.2 (MANE Select); 3 bases into the intron before coding-DNA position 788, C replaced by T.
Molecular consequence: intron variant.
Genome position (GRCh38, 1-based): chr11:2,884,137, G>A on the plus strand (C>T on the coding strand, the complement: CDKN1C is on the minus strand). VCF-style: chr11-2884137-G-A. GRCh37 (hg19) VCF-style: chr11-2905367-G-A.
Other names: c.256-3C>T (NM_001362475.2); c.788-3C>T (NM_001122631.2); c.821-3C>T (NM_001362474.2, NM_000076.2).
Identifiers: ClinVar variation 1425040 (VCV001425040.7), dbSNP rs2133780392, ClinGen allele CA2573145949.
Genomic context (GRCh38, chr11:2,884,137, plus strand): 5'-GCGGGGACATCGCCCGACGACTTCTCAGGCGCTGATCTCTTGCGCTTGGCGAAGAAATCT[G>A]CGGGCGACAGCGCGCGCGGCCGGTCAGGGCGGGGCCGGCCCGGAGACCCGAGAGGGGGCC-3'